The following is an entry in ClinVar:

ClinVar aggregate classification (germline): Uncertain significance (1 of 4 stars; one submission).

Submission:

Labcorp Genetics (formerly Invitae), Labcorp
Classification: Uncertain significance. Last evaluated: 2022-11-08. Review status: criteria provided, single submitter. Criteria: Invitae Variant Classification Sherloc (09022015). Collection method: clinical testing. Allele origin: germline.
Comment: This sequence change replaces isoleucine, which is neutral and non-polar, with leucine, which is neutral and non-polar, at codon 1920 of the RP1 protein (p.Ile1920Leu). This variant is not present in population databases (gnomAD no frequency). This variant has not been reported in the literature in individuals affected with RP1-related conditions. Algorithms developed to predict the effect of missense changes on protein structure and function are either unavailable or do not agree on the potential impact of this missense change (SIFT: "Deleterious"; PolyPhen-2: "Probably Damaging"; Align-GVGD: "Class C0"). In summary, the available evidence is currently insufficient to determine the role of this variant in disease. Therefore, it has been classified as a Variant of Uncertain Significance.

NM_006269.2(RP1):c.5758A>T (p.Ile1920Leu)

Genes: RP1 (RP1 axonemal microtubule associated; plus strand), LOC126860392 (CDK7 strongly-dependent group 2 enhancer GRCh37_chr8:55541319-55542518; plus strand). Cytogenetic location: 8q12.1.
Variant type: single nucleotide variant.
Coding change: c.5758A>T on transcript NM_006269.2 (MANE Select); coding-DNA position 5758, A replaced by T.
Protein change: p.Ile1920Leu; replaces isoleucine 1920 with leucine.
Molecular consequence: missense variant. On other transcripts: intron variant (1).
Genome position (GRCh38, 1-based): chr8:54,629,640, A>T. VCF-style: chr8-54629640-A-T. GRCh37 (hg19) VCF-style: chr8-55542200-A-T.
Other names: c.787+7352A>T (NM_001375654.1); short protein forms I1920L.
Identifiers: ClinVar variation 2005686 (VCV002005686.4), dbSNP rs2536591192, ClinGen allele CA370987790.